The following is an entry in ClinVar:

NM_001330700.2(TOP2B):c.4146TGA[7] (p.Asp1388dup)

Gene: TOP2B (DNA topoisomerase II beta; minus strand). Cytogenetic location: 3p24.2.
Variant type: Microsatellite.
Coding change: c.4146TGA[7] on transcript NM_001330700.2 (MANE Select); seven copies in a row of the 3-base unit TGA starting at c.4146; the reference has six copies in a row; one copy, 3 bases duplicated.
Protein change: p.Asp1388dup; duplicates aspartic acid 1388.
Molecular consequence: inframe insertion.
Genome position (GRCh38, 1-based): chr3:25,607,306-25,607,308, TCA duplicated on the plus strand (TGA on the coding strand, the reverse complement: TOP2B is on the minus strand); duplicating any 3 consecutive bases within chr3:25,607,306-25,607,323 gives the same sequence; the position shown is the placement nearest the transcript's 3' end. VCF-style (leftmost placement, unchanged base first): chr3-25607305-G-GTCA. GRCh37 (hg19) VCF-style: chr3-25648796-G-GTCA.
Other names: c.4131TGA[7], p.Asp1383dup (NM_001068.3).
Identifiers: ClinVar variation 1431067 (VCV001431067.10), dbSNP rs746857248, ClinGen allele CA2288151.

ClinVar aggregate classification (germline): Uncertain significance. Review status: criteria provided, multiple submitters, no conflicts (2 of 4 stars). 2 submissions from 2 submitters: Uncertain significance (2). Last evaluated 2025-11-28.

Submissions (2):

Labcorp Genetics (formerly Invitae), Labcorp
Classification: Uncertain significance. Last evaluated: 2025-11-28. Review status: criteria provided, single submitter. Criteria: Invitae Variant Classification Sherloc (09022015). Collection method: clinical testing. Allele origin: germline.
Comment: This variant, c.4146_4148dup, results in the insertion of 1 amino acid(s) of the TOP2B protein (p.Asp1383dup), but otherwise preserves the integrity of the reading frame. This variant is present in population databases (rs746857248, gnomAD 0.009%). This variant has not been reported in the literature in individuals affected with TOP2B-related conditions. Experimental studies and prediction algorithms are not available or were not evaluated, and the functional significance of this variant is currently unknown. In summary, the available evidence is currently insufficient to determine the role of this variant in disease. Therefore, it has been classified as a Variant of Uncertain Significance.

Breakthrough Genomics
Classification: Uncertain significance. Review status: criteria provided, single submitter. Criteria: ACMG Guidelines, 2015. Collection method: not provided. Allele origin: germline. Inheritance: Autosomal dominant inheritance. Affected: yes.